The following is an entry in ClinVar:

ClinVar aggregate classification (germline): Uncertain significance. Review status: criteria provided, multiple submitters, no conflicts (2 of 4 stars). 2 submissions from 2 submitters: Uncertain significance (2). Last evaluated 2024-01-26.

Conditions:
Familial cancer of breast. Also called: hereditary breast carcinoma; BREAST CANCER, FAMILIAL; Hereditary breast cancer. Identifiers: Orphanet 227535, MedGen C0346153, MONDO:0016419, OMIM 114480. Disease mechanism: loss of function.

Allele frequency attached by ClinVar (database versions not stated): gnomAD exomes below 0.00001.
gnomAD v4.1: 2 of 1,614,062 alleles (0.00012%); highest among the groups gnomAD compares: Non-Finnish European, 0.00017%; no homozygotes.

Submissions (2):

Baylor Genetics
Classification: Uncertain significance for Familial cancer of breast. Last evaluated: 2024-01-26. Review status: criteria provided, single submitter. Criteria: ACMG Guidelines, 2015. Collection method: clinical testing. Allele origin: unknown.

Labcorp Genetics (formerly Invitae), Labcorp
Classification: Uncertain significance for Familial cancer of breast. Last evaluated: 2022-12-20. Review status: criteria provided, single submitter. Criteria: Invitae Variant Classification Sherloc (09022015). Collection method: clinical testing. Allele origin: germline.
Comment: This sequence change replaces proline, which is neutral and non-polar, with threonine, which is neutral and polar, at codon 497 of the BARD1 protein (p.Pro497Thr). This variant is not present in population databases (gnomAD no frequency). This variant has not been reported in the literature in individuals affected with BARD1-related conditions. Algorithms developed to predict the effect of missense changes on protein structure and function (SIFT, PolyPhen-2, Align-GVGD) all suggest that this variant is likely to be disruptive. In summary, the available evidence is currently insufficient to determine the role of this variant in disease. Therefore, it has been classified as a Variant of Uncertain Significance.

NM_000465.4(BARD1):c.1489C>A (p.Pro497Thr)

Gene: BARD1 (BRCA1 associated RING domain 1; minus strand). Cytogenetic location: 2q35.
Variant type: single nucleotide variant.
Coding change: c.1489C>A on transcript NM_000465.4 (MANE Select); coding-DNA position 1489, C replaced by A.
Protein change: p.Pro497Thr; replaces proline 497 with threonine.
Molecular consequence: missense variant. On other transcripts: non-coding transcript variant (3), intron variant (3).
Genome position (GRCh38, 1-based): chr2:214,767,561, G>T on the plus strand (C>A on the coding strand, the complement: BARD1 is on the minus strand). VCF-style: chr2-214767561-G-T. GRCh37 (hg19) VCF-style: chr2-215632285-G-T.
Other names: c.1432C>A, p.Pro478Thr (NM_001282543.2); c.159-15006C>A (NM_001282548.2); c.216-15006C>A (NM_001282545.2); c.364+24736C>A (NM_001282549.2); short protein forms P497T, P478T.
Identifiers: ClinVar variation 2902910 (VCV002902910.4), dbSNP rs2469443479, ClinGen allele CA350448399.